The following is an entry in ClinVar:

ClinVar aggregate classification (germline): Pathogenic/Likely pathogenic. Review status: no assertion criteria provided (0 of 4 stars). 2 submissions from 2 submitters: Pathogenic (1); Likely pathogenic (1). Last evaluated 2024-03-06.

Conditions:
Vertebral, cardiac, renal, and limb defects syndrome 2. Also called: KYNURENINASE DEFICIENCY, COMPLETE; CONGENITAL NAD DEFICIENCY DISORDER 2. Identifiers: MedGen C4540014, MONDO:0060555, OMIM 617661.
Congenital NAD deficiency disorder. Identifiers: MedGen CN241975.

Allele frequency attached by ClinVar (database versions not stated): TOPMed 0.00001; gnomAD exomes 0.00001; ExAC 0.00001.
gnomAD v4.1: 10 of 1,611,240 alleles (0.00062%); highest among the groups gnomAD compares: Non-Finnish European, 0.00085%; no homozygotes.

Submissions (2):

OMIM
Classification: Pathogenic for VERTEBRAL, CARDIAC, RENAL, AND LIMB DEFECTS SYNDROME 2. Last evaluated: 2024-03-06. Review status: no assertion criteria provided. Collection method: literature only. Allele origin: germline.

Embryology Laboratory, Victor Chang Cardiac Research Institute
Classification: Likely pathogenic for Congenital NAD Deficiency Disorder. Last evaluated: 2020-11-11. Review status: no assertion criteria provided. Collection method: research. Allele origin: inherited. Inheritance: Autosomal recessive inheritance. Affected: yes. Observed: 1 variant allele, 1 compound heterozygote.
Comment: This variant, c.1035T>A, was found in compound heterozygosity with the likely pathogenic variant c.361_363del

Literature cited by the submitters: PubMed 33942433 (cited by OMIM and Embryology Laboratory, Victor Chang Cardiac Research Institute).

NM_003937.3(KYNU):c.1035T>A (p.Ser345Arg)

Gene: KYNU (kynureninase; plus strand). Cytogenetic location: 2q22.2.
Variant type: single nucleotide variant.
Coding change: c.1035T>A on transcript NM_003937.3 (MANE Select); coding-DNA position 1035, T replaced by A.
Protein change: p.Ser345Arg; replaces serine 345 with arginine.
Molecular consequence: missense variant.
Genome position (GRCh38, 1-based): chr2:143,033,315, T>A. VCF-style: chr2-143033315-T-A. GRCh37 (hg19) VCF-style: chr2-143790884-T-A.
Other names: c.1035T>A, p.Ser345Arg (NM_001199241.2); short protein forms S345R.
Identifiers: ClinVar variation 988092 (VCV000988092.4), dbSNP rs771131526, ClinGen allele CA1896969.
Genomic context (GRCh38, chr2:143,033,315, plus strand): 5'-GGTCTGTGGATTCCGAATTTCAAATCCTCCCATTTTGTTGGTCTGTTCCTTGCATGCTAG[T>A]TTAGAGGTAAGTGATGTGTGTTTCAACCTTCCCACATCTTTGCGTTTTTTCTTGATCTGT-3'
Protein context (NP_003928.1, residues 335-355): PILLVCSLHA[Ser345Arg]LEIFKQATMK